The following is an entry in ClinVar:

NM_032217.5(ANKRD17):c.3754C>T (p.Arg1252Trp)

Gene: ANKRD17 (ankyrin repeat domain 17; minus strand). Cytogenetic location: 4q13.3.
Variant type: single nucleotide variant.
Coding change: c.3754C>T on transcript NM_032217.5 (MANE Select); coding-DNA position 3754, C replaced by T.
Protein change: p.Arg1252Trp; replaces arginine 1252 with tryptophan.
Molecular consequence: missense variant.
Genome position (GRCh38, 1-based): chr4:73,120,976, G>A on the plus strand (C>T on the coding strand, the complement: ANKRD17 is on the minus strand). VCF-style: chr4-73120976-G-A. GRCh37 (hg19) VCF-style: chr4-73986693-G-A.
Other names: c.3415C>T, p.Arg1139Trp (NM_001286771.3); c.3751C>T, p.Arg1251Trp (NM_015574.2); c.3001C>T, p.Arg1001Trp (NM_198889.3); short protein forms R1001W, R1139W, R1251W, R1252W.
Identifiers: ClinVar variation 3900922 (VCV003900922.2).

ClinVar aggregate classification (germline): Uncertain significance (1 of 4 stars; one submission).

gnomAD v4.1: 2 of 1,613,704 alleles (0.00012%); highest among the groups gnomAD compares: Non-Finnish European, 0.00017%; no homozygotes.

Submission:

GeneDx
Classification: Uncertain significance. Last evaluated: 2026-04-16. Review status: criteria provided, single submitter. Criteria: GeneDx Variant Classification Process June 2021. Collection method: clinical testing. Allele origin: germline.
Comment: Not observed at significant frequency in large population cohorts (gnomAD); In silico analysis supports that this missense variant has a deleterious effect on protein structure/function; Has not been previously published as pathogenic or benign to our knowledge